The following is an entry in ClinVar:

NM_181332.3(NLGN4X):c.1874C>T (p.Thr625Ile)

Gene: NLGN4X (neuroligin 4 X-linked; minus strand). Cytogenetic location: Xp22.32.
Variant type: single nucleotide variant.
Coding change: c.1874C>T on transcript NM_181332.3 (MANE Select); coding-DNA position 1874, C replaced by T.
Protein change: p.Thr625Ile; replaces threonine 625 with isoleucine.
Molecular consequence: missense variant.
Genome position (GRCh38, 1-based): chrX:5,893,394, G>A on the plus strand (C>T on the coding strand, the complement: NLGN4X is on the minus strand). VCF-style: chrX-5893394-G-A. GRCh37 (hg19) VCF-style: chrX-5811435-G-A.
Other names: c.1874C>T, p.Thr625Ile (NM_001282145.2, NM_001282146.2, NM_020742.4); short protein forms T625I.
Identifiers: ClinVar variation 429649 (VCV000429649.2), dbSNP rs771217116, ClinGen allele CA412013486.
Genomic context (GRCh38, chrX:5,893,394, plus strand): 5'-TTGGCAGGAGTGATTGCTGGGCGTTTGGTGGTTGGCCATATCTTGGCGGGAGATCGCCGG[G>A]TGCCATAGGGAAATGATGTCATGTCTGGTGGAGGAACCTTTGTGGTTGTTGAAACATACT-3'
Protein context (NP_851849.1, residues 615-635): PPDMTSFPYG[Thr625Ile]RRSPAKIWPT

ClinVar aggregate classification (germline): Uncertain significance (1 of 4 stars; one submission).

Allele frequency attached by ClinVar (database versions not stated): TOPMed 0.00001 and 0.00002.
gnomAD v4.1: 4 of 1,207,894 alleles (0.00033%); highest among the groups gnomAD compares: Admixed American, 0.0088%; no homozygotes.

Submission:

GeneDx
Classification: Uncertain significance. Last evaluated: 2017-05-15. Review status: criteria provided, single submitter. Criteria: GeneDx Variant Classification (06012015). Collection method: clinical testing. Allele origin: germline. Affected: yes.
Comment: The T625I variant in the NLGN4X gene has not been reported previously as a pathogenic variant, nor as a benign variant, to our knowledge. The T625I variant is not observed in large population cohorts (Lek et al., 2016; 1000 Genomes Consortium et al., 2015; Exome Variant Server). The T625I variant is a non-conservative amino acid substitution, which is likely to impact secondary protein structure as these residues differ in polarity, charge, size and/or other properties. This substitution occurs at a position that is conserved across species. In silico analysis is inconsistent in its predictions as to whether or not the variant is damaging to the protein structure/function. We interpret T625I as a variant of uncertain significance.